The following is an entry in ClinVar:

NM_025179.4(PLXNA2):c.1116G>A (p.Gln372=)

Gene: PLXNA2 (plexin A2; minus strand). Cytogenetic location: 1q32.2.
Variant type: single nucleotide variant.
Coding change: c.1116G>A on transcript NM_025179.4 (MANE Select); coding-DNA position 1116, G replaced by A.
Protein change: p.Gln372=; no amino-acid change (glutamine 372 retained).
Molecular consequence: synonymous variant.
Genome position (GRCh38, 1-based): chr1:208,216,807, C>T on the plus strand (G>A on the coding strand, the complement: PLXNA2 is on the minus strand). VCF-style: chr1-208216807-C-T. GRCh37 (hg19) VCF-style: chr1-208390152-C-T.
Identifiers: ClinVar variation 4986023 (VCV004986023.1).

ClinVar aggregate classification (germline): Likely benign (1 of 4 stars; one submission).

Conditions:
PLXNA2-related disorder. Also called: PLXNA2-related condition.

gnomAD v4.1: 20 of 1,614,058 alleles (0.0012%); highest among the groups gnomAD compares: African/African-American, 0.023%; no homozygotes.

Submission:

PreventionGenetics, part of Exact Sciences
Classification: Likely benign for PLXNA2-related condition. Last evaluated: 2025-03-12. Review status: criteria provided, single submitter. Criteria: ACMG Guidelines, 2015. Collection method: clinical testing. Allele origin: germline.
Comment: This variant is classified as likely benign based on ACMG/AMP sequence variant interpretation guidelines (Richards et al. 2015 PMID: 25741868, with internal and published modifications).